The following is an entry in ClinVar:

ClinVar aggregate classification (germline): Likely benign. Review status: criteria provided, multiple submitters, no conflicts (2 of 4 stars). 2 submissions from 2 submitters: Likely benign (2). Last evaluated 2023-10-23.

Conditions:
Familial adenomatous polyposis 2. Also called: COLORECTAL ADENOMATOUS POLYPOSIS, AUTOSOMAL RECESSIVE; ADENOMAS, MULTIPLE COLORECTAL, AUTOSOMAL RECESSIVE; MYH-associated polyposis; MUTYH Polyposis; Adenomas, multiple colorectal; FAP type 2. Identifiers: Orphanet 220460, Orphanet 247798, MedGen C3272841, MONDO:0012041, OMIM 608456.
Hereditary cancer-predisposing syndrome. Also called: Tumor predisposition; Neoplastic Syndromes, Hereditary; Hereditary Cancer Syndrome; Hereditary neoplastic syndrome. Identifiers: Orphanet 140162, MedGen C0027672, MeSH D009386, MONDO:0015356.

Allele frequency attached by ClinVar (database versions not stated): gnomAD exomes below 0.00001.
gnomAD v4.1: 1 of 1,613,792 alleles (0.000062%); highest among the groups gnomAD compares: Non-Finnish European, 0.000085%; no homozygotes.

Submissions (2):

All of Us Research Program, National Institutes of Health
Classification: Likely benign for Familial adenomatous polyposis 2. Last evaluated: 2023-10-23. Review status: criteria provided, single submitter. Criteria: ACMG Guidelines, 2015. Collection method: clinical testing. Allele origin: germline. Inheritance: Autosomal recessive inheritance. Observed: 1 variant allele, 1 heterozygote.
Comment: This study involves interpretation of variants in research participants for the purpose of population health screening. Participant phenotype was not available at the time of variant classification. Additional details can be found in publication PMID: 35346344, PMCID: PMC8962531

Color Diagnostics, LLC DBA Color Health
Classification: Likely benign for Hereditary cancer-predisposing syndrome. Last evaluated: 2021-12-14. Review status: criteria provided, single submitter. Criteria: ACMG Guidelines, 2015. Collection method: clinical testing. Allele origin: germline.

NM_001128425.2(MUTYH):c.-7G>A

Genes: MUTYH (mutY DNA glycosylase; minus strand), TOE1 (target of EGR1, exonuclease; plus strand). Cytogenetic location: 1p34.1.
Variant type: single nucleotide variant.
Coding change: c.-7G>A on transcript NM_001128425.2 (MANE Plus Clinical); 7 bases upstream of the start codon, G replaced by A.
Molecular consequence: 5 prime UTR variant. On other transcripts: synonymous variant (1), non-coding transcript variant (3).
Genome position (GRCh38, 1-based): chr1:45,340,261, C>T on the plus strand (G>A on the coding strand, the complement: MUTYH is on the minus strand). VCF-style: chr1-45340261-C-T. GRCh37 (hg19) VCF-style: chr1-45805933-C-T.
Other names: c.9C>T, p.Ala3= (NM_025077.4); c.-49G>A (NM_001048171.2); c.-7G>A (NM_001293190.2, NM_001407069.1, NM_001407073.1 and 1 more transcripts); c.-261G>A (NM_001293192.2); c.-320G>A (NM_001350650.2); c.-256G>A (NM_001350651.2); c.-65G>A (NM_001407070.1, NM_001407071.1); c.-45G>A (NM_001407072.1).
Identifiers: ClinVar variation 2773696 (VCV002773696.2), dbSNP rs2524702568, ClinGen allele CA417702336.